The following is an entry in ClinVar:

NC_000011.9:g.(?_47353422)_(47436914_?)del

Genes: MYBPC3 (myosin binding protein C3; minus strand), SLC39A13 (solute carrier family 39 member 13; plus strand), SPI1 (Spi-1 proto-oncogene; minus strand). Cytogenetic location: 11p11.2.
Variant type: Deletion.
Identifiers: ClinVar variation 3244520 (VCV003244520.1).

ClinVar aggregate classification (germline): Pathogenic (1 of 4 stars; one submission).

Conditions:
Hypertrophic cardiomyopathy. Also called: HYPERTROPHIC MYOCARDIOPATHY. Identifiers: Orphanet 217569, MedGen C0007194, MeSH D002312, MONDO:0005045, HP:0001639.

Submission:

Labcorp Genetics (formerly Invitae), Labcorp
Classification: Pathogenic for Hypertrophic cardiomyopathy. Last evaluated: 2023-09-06. Review status: criteria provided, single submitter. Criteria: Invitae Variant Classification Sherloc (09022015). Collection method: clinical testing. Allele origin: unknown.
Comment: A similar copy number variant has been observed in individual(s) with dilated cardiomyopathy (PMID: 30924982). For these reasons, this variant has been classified as Pathogenic. A gross deletion of the genomic region encompassing the full coding sequence of the MYBPC3 gene has been identified. Loss-of-function variants in MYBPC3 are known to be pathogenic (PMID: 19574547). The boundaries of this event are unknown as they extend beyond the assayed region for this gene and therefore may encompass additional genes.

Literature cited by the submitters: PubMed 30924982; PubMed 19574547.